The following is an entry in ClinVar:

NM_001267550.2(TTN):c.79514C>T (p.Thr26505Ile)

Genes: TTN (titin; minus strand), TTN-AS1 (TTN antisense RNA 1; plus strand). Cytogenetic location: 2q31.2.
Variant type: single nucleotide variant.
Coding change: c.79514C>T on transcript NM_001267550.2 (MANE Select); coding-DNA position 79514, C replaced by T.
Protein change: p.Thr26505Ile; replaces threonine 26505 with isoleucine.
Molecular consequence: missense variant.
Genome position (GRCh38, 1-based): chr2:178,566,618, G>A on the plus strand (C>T on the coding strand, the complement: TTN is on the minus strand). VCF-style: chr2-178566618-G-A. GRCh37 (hg19) VCF-style: chr2-179431345-G-A.
Other names: c.74591C>T, p.Thr24864Ile (NM_001256850.1); c.52319C>T, p.Thr17440Ile (NM_003319.4); c.71810C>T, p.Thr23937Ile (NM_133378.4); c.52694C>T, p.Thr17565Ile (NM_133432.3); c.52895C>T, p.Thr17632Ile (NM_133437.4); short protein forms T26505I, T23937I, T24864I, T17440I, T17632I, T17565I.
Identifiers: ClinVar variation 284091 (VCV000284091.10), dbSNP rs886042786, ClinGen allele CA10604683.

ClinVar aggregate classification (germline): Uncertain significance. Review status: criteria provided, multiple submitters, no conflicts (2 of 4 stars). 3 submissions from 3 submitters: Uncertain significance (3). Last evaluated 2023-11-16.

Conditions:
Dilated cardiomyopathy 1G (CMD1G). Identifiers: Orphanet 154, MedGen C1858763, MONDO:0011400, OMIM 604145.
Tibial muscular dystrophy (TMD). Also called: UDD MYOPATHY; Udd Distal Myopathy – Tibial Muscular Dystrophy; Tibial muscular dystrophy, tardive. Identifiers: Orphanet 609, MedGen C1838244, MONDO:0010870, OMIM 600334.
Early-onset myopathy with fatal cardiomyopathy (CMYO5). Also called: Salih Myopathy; CONGENITAL MYOPATHY 5 WITH CARDIOMYOPATHY. Identifiers: Orphanet 289377, MedGen C2673677, MONDO:0012714, OMIM 611705. Disease mechanism: loss of function.
Autosomal recessive limb-girdle muscular dystrophy type 2J (LGMDR10). Also called: Limb-girdle muscular dystrophy, type 2J; MUSCULAR DYSTROPHY, LIMB-GIRDLE, AUTOSOMAL RECESSIVE 10. Identifiers: Orphanet 140922, MedGen C1837342, MONDO:0012127, OMIM 608807.
Hypertrophic cardiomyopathy 9. Also called: Familial hypertrophic cardiomyopathy 9. Identifiers: MedGen C1861065, MONDO:0013412, OMIM 613765.
Myopathy, myofibrillar, 9, with early respiratory failure (MFM9). Also called: Hereditary myopathy with early respiratory failure; EDSTROM MYOPATHY; MYOPATHY, PROXIMAL, WITH EARLY RESPIRATORY MUSCLE INVOLVEMENT; Myopathy, distal, with early respiratory failure, autosomal dominant. Identifiers: Orphanet 178464, Orphanet 34521, MedGen C1863599, MONDO:0011362, OMIM 603689.

Allele frequency attached by ClinVar (database versions not stated): gnomAD exomes below 0.00001; gnomAD 0.00001 and 0.00003; TOPMed 0.00004.
gnomAD v4.1: 7 of 1,612,392 alleles (0.00043%); highest among the groups gnomAD compares: Non-Finnish European, 0.00017%; no homozygotes.

Submissions (3):

GeneDx
Classification: Uncertain significance. Last evaluated: 2023-11-16. Review status: criteria provided, single submitter. Criteria: GeneDx Variant Classification Process June 2021. Collection method: clinical testing. Allele origin: germline. Affected: yes.
Comment: Not observed at significant frequency in large population cohorts (gnomAD); Missense variant in a gene in which most reported pathogenic variants are truncating/loss of function; Has not been previously published as pathogenic or benign to our knowledge

Fulgent Genetics
Classification: Uncertain significance for Tibial muscular dystrophy; Myopathy, myofibrillar, 9, with early respiratory failure; Dilated cardiomyopathy 1G; Autosomal recessive limb-girdle muscular dystrophy type 2J; Early-onset myopathy with fatal cardiomyopathy; Hypertrophic cardiomyopathy 9. Last evaluated: 2018-10-31. Review status: criteria provided, single submitter. Criteria: ACMG Guidelines, 2015. Collection method: clinical testing. Allele origin: unknown.

Eurofins Ntd Llc (ga)
Classification: Uncertain significance. Last evaluated: 2017-02-28. Review status: criteria provided, single submitter. Criteria: EGL Classification Definitions. Collection method: clinical testing. Allele origin: germline. Observed: 6 variant alleles, 6 heterozygotes.